The following is an entry in ClinVar:

ClinVar aggregate classification (germline): Uncertain significance (1 of 4 stars; one submission).

Conditions:
Cardiovascular phenotype. Identifiers: MedGen CN230736.

Submission:

Ambry Genetics
Classification: Uncertain significance for Cardiovascular phenotype. Last evaluated: 2026-01-02. Review status: criteria provided, single submitter. Criteria: Ambry Variant Classification Scheme 2023. Collection method: clinical testing. Allele origin: germline.
Comment: The p.E1388D variant (also known as c.4164G>C), located in coding exon 28 of the MYH7 gene, results from a G to C substitution at nucleotide position 4164. The glutamic acid at codon 1388 is replaced by aspartic acid, an amino acid with highly similar properties. This amino acid position is conserved. In addition, this alteration is predicted to be tolerated by in silico analysis. Based on the available evidence, the clinical significance of this variant remains unclear.

NM_000257.4(MYH7):c.4164G>C (p.Glu1388Asp)

Gene: MYH7 (myosin heavy chain 7; minus strand). Cytogenetic location: 14q11.2.
Variant type: single nucleotide variant.
Coding change: c.4164G>C on transcript NM_000257.4 (MANE Select); coding-DNA position 4164, G replaced by C.
Protein change: p.Glu1388Asp; replaces glutamic acid 1388 with aspartic acid.
Molecular consequence: missense variant.
Genome position (GRCh38, 1-based): chr14:23,418,215, C>G on the plus strand (G>C on the coding strand, the complement: MYH7 is on the minus strand). VCF-style: chr14-23418215-C-G. GRCh37 (hg19) VCF-style: chr14-23887424-C-G.
Other names: c.4164G>C, p.Glu1388Asp (NM_001407004.1); short protein forms E1388D.
Identifiers: ClinVar variation 4841538 (VCV004841538.1).